The following is an entry in ClinVar:

NM_000138.5(FBN1):c.346+6T>G

Gene: FBN1 (fibrillin 1; minus strand). Cytogenetic location: 15q21.1.
Variant type: single nucleotide variant.
Coding change: c.346+6T>G on transcript NM_000138.5 (MANE Select); 6 bases into the intron after coding-DNA position 346, T replaced by G.
Molecular consequence: intron variant.
Genome position (GRCh38, 1-based): chr15:48,610,722, A>C on the plus strand (T>G on the coding strand, the complement: FBN1 is on the minus strand). VCF-style: chr15-48610722-A-C. GRCh37 (hg19) VCF-style: chr15-48902919-A-C.
Identifiers: ClinVar variation 495592 (VCV000495592.17), dbSNP rs371159129, ClinGen allele CA050861.
Genomic context (GRCh38, chr15:48,610,722, plus strand): 5'-AATTTAGGAGAAAATGGGGTATAACCACATAAAATAATATTATATATAATGACATGTTAG[A>C]CTTACTGGATCTGGAGCCACAGGAAGGAGCTATCTGACCAGATGGGCAAGTGCACATATT-3'

ClinVar aggregate classification (germline): Conflicting classifications of pathogenicity. Review status: criteria provided, conflicting classifications (1 of 4 stars). 6 submissions from 6 submitters: Uncertain significance (5); Likely benign (1). Last evaluated 2025-12-18.

Conditions:
Marfan syndrome (MFS). Also called: MARFAN SYNDROME, TYPE I; FBN1-Related Marfan Syndrome; Marfan syndrome type 1; Marfan's syndrome; Marfan syndrome, classic. Identifiers: Orphanet 284963, Orphanet 558, MedGen C0024796, MONDO:0007947, OMIM 154700.
Familial thoracic aortic aneurysm and aortic dissection (TAAD). Also called: Thoracic aortic aneurysms and dissections. Identifiers: Orphanet 91387, MedGen C4707243, MONDO:0019625.

Allele frequency attached by ClinVar (database versions not stated): gnomAD 0.00002; ESP Exome Variant Server 0.00015; ExAC 0.00004; TOPMed 0.00002; gnomAD exomes 0.00004.
gnomAD v4.1: 57 of 1,601,106 alleles (0.0036%); highest among the groups gnomAD compares: Middle Eastern, 0.05%; no homozygotes.

Submissions (6):

Color Diagnostics, LLC DBA Color Health
Classification: Uncertain significance for Familial thoracic aortic aneurysm and aortic dissection. Last evaluated: 2025-12-18. Review status: criteria provided, single submitter. Criteria: ACMG Guidelines, 2015. Collection method: clinical testing. Allele origin: germline.
Comment: This variant causes a T to G nucleotide substitution at the +6 position of intron 4 of the FBN1 gene. Splice site prediction tools predict that this variant may have a significant impact on RNA splicing. To our knowledge, RNA studies have not been reported for this variant. This variant has not been reported in individuals affected with FBN1-related disorders in the literature. This variant has been identified in 57/1601106 chromosomes in the general population by the Genome Aggregation Database (gnomAD). The available evidence is insufficient to determine the role of this variant in disease conclusively. Therefore, this variant is classified as a Variant of Uncertain Significance.

Labcorp Genetics (formerly Invitae), Labcorp
Classification: Uncertain significance for Marfan syndrome; Familial thoracic aortic aneurysm and aortic dissection. Last evaluated: 2025-06-10. Review status: criteria provided, single submitter. Criteria: Invitae Variant Classification Sherloc (09022015). Collection method: clinical testing. Allele origin: germline.
Comment: This sequence change falls in intron 4 of the FBN1 gene. It does not directly change the encoded amino acid sequence of the FBN1 protein. It affects a nucleotide within the consensus splice site. This variant is present in population databases (rs371159129, gnomAD 0.007%). This variant has not been reported in the literature in individuals affected with FBN1-related conditions. ClinVar contains an entry for this variant (Variation ID: 495592). Variants that disrupt the consensus splice site are a relatively common cause of aberrant splicing (PMID: 17576681, 9536098). Algorithms developed to predict the effect of sequence changes on RNA splicing suggest that this variant may disrupt the consensus splice site. In summary, the available evidence is currently insufficient to determine the role of this variant in disease. Therefore, it has been classified as a Variant of Uncertain Significance.

All of Us Research Program, National Institutes of Health
Classification: Uncertain significance for Marfan syndrome. Last evaluated: 2024-09-23. Review status: criteria provided, single submitter. Criteria: ACMG Guidelines, 2015. Collection method: clinical testing. Allele origin: germline. Inheritance: Autosomal dominant inheritance. Observed: 11 variant alleles, 11 heterozygotes.
Comment: This variant causes a T>G nucleotide substitution at the +6 position of intron 4 of the FBN1 gene. Splice site prediction tools and conservation analysis are inconclusive regarding the impact of this variant on RNA splicing. To our knowledge, functional studies have not been performed for this variant. This variant has not been reported in individuals affected with cardiovascular disorders in the literature. This variant has been identified in 10/282648 chromosomes in the general population by the Genome Aggregation Database (gnomAD). The available evidence is insufficient to determine the role of this variant in disease conclusively. Therefore, this variant is classified as a Variant of Uncertain Significance.

This study involves interpretation of variants in research participants for the purpose of population health screening. Participant phenotype was not available at the time of variant classification. Additional details can be found in publication PMID: 35346344, PMCID: PMC8962531

Blueprint Genetics
Classification: Likely benign. Last evaluated: 2024-07-31. Review status: criteria provided, single submitter. Criteria: ACMG Guidelines, 2015. Collection method: clinical testing. Allele origin: germline.

GeneDx
Classification: Uncertain significance. Last evaluated: 2024-05-03. Review status: criteria provided, single submitter. Criteria: GeneDx Variant Classification Process June 2021. Collection method: clinical testing. Allele origin: germline. Affected: yes.
Comment: Has not been previously published as pathogenic or benign to our knowledge; In silico analysis supports a deleterious effect on splicing

Women's Health and Genetics/Laboratory Corporation of America, LabCorp
Classification: Uncertain significance. Last evaluated: 2017-01-13. Review status: criteria provided, single submitter. Criteria: LabCorp Variant Classification Summary - May 2015. Collection method: clinical testing. Allele origin: germline.
Comment: Variant summary: The FBN1 c.346+6T>G variant involves the alteration of a conserved intronic nucleotide. Mutation Taster predicts a damaging outcome for this variant. In addition, 3/5 splice prediction tools predict a significant impact on normal splicing. However, these predictions have yet to be confirmed by functional studies. This variant was found in 5/118084 control chromosomes at a frequency of 0.0000423, which does not exceed the estimated maximal expected allele frequency of a pathogenic FBN1 variant (0.0001125). The variant of interest has not, to our knowledge, been reported in affected individuals via publications and/or reputable databases/clinical diagnostic laboratories, nor evaluated for functional impact by in vivo/vitro studies. Because of the absence of clinical information and the lack of functional studies, the variant is currently classified as a variant of uncertain significance (VUS) until additional information becomes available.

Literature cited by the submitters: PubMed 17576681 (cited by Labcorp Genetics (formerly Invitae), Labcorp); PubMed 9536098 (cited by Labcorp Genetics (formerly Invitae), Labcorp).